The following is an entry in ClinVar:

ClinVar aggregate classification (germline): Uncertain significance (1 of 4 stars; one submission).

gnomAD v4.1: 2 of 1,536,526 alleles (0.00013%); highest among the groups gnomAD compares: Admixed American, 0.002%; no homozygotes.

Submission:

CeGaT Center for Human Genetics Tuebingen
Classification: Uncertain significance. Last evaluated: 2026-09-01. Review status: criteria provided, single submitter. Criteria: CeGaT Center For Human Genetics Tuebingen Variant Classification Criteria Version 2. Collection method: clinical testing. Allele origin: germline. Affected: yes. Observed: 1 variant allele.
Comment: SLC4A10: PP2, BP4

NM_001178015.2(SLC4A10):c.*36C>G

Gene: SLC4A10 (solute carrier family 4 member 10; plus strand). Cytogenetic location: 2q24.2.
Variant type: single nucleotide variant.
Coding change: c.*36C>G on transcript NM_001178015.2 (MANE Select); 36 bases downstream of the stop codon, C replaced by G.
Molecular consequence: 3 prime UTR variant. On other transcripts: missense variant (4).
Genome position (GRCh38, 1-based): chr2:161,983,188, C>G. VCF-style: chr2-161983188-C-G. GRCh37 (hg19) VCF-style: chr2-162839698-C-G.
Other names: c.*36C>G (NM_001178016.2, NM_001354441.2, NM_001354444.2 and 8 more transcripts); c.3354C>G, p.Ser1118Arg (NM_001354440.2); c.*20C>G (NM_001354442.2, NM_001354450.2, NM_001354451.2); c.3300C>G, p.Ser1100Arg (NM_001354443.2); c.3297C>G, p.Ser1099Arg (NM_001354445.2); c.3264C>G, p.Ser1088Arg (NM_001354446.2); short protein forms S1088R, S1099R, S1100R, S1118R.
Identifiers: ClinVar variation 5041000 (VCV005041000.1).